The following is an entry in ClinVar:

NM_032776.3(JMJD1C):c.1646C>T (p.Ala549Val)

Gene: JMJD1C (jumonji domain containing 1C; minus strand). Cytogenetic location: 10q21.3.
Variant type: single nucleotide variant.
Coding change: c.1646C>T on transcript NM_032776.3 (MANE Select); coding-DNA position 1646, C replaced by T.
Protein change: p.Ala549Val; replaces alanine 549 with valine.
Molecular consequence: missense variant. On other transcripts: non-coding transcript variant (1).
Genome position (GRCh38, 1-based): chr10:63,214,521, G>A on the plus strand (C>T on the coding strand, the complement: JMJD1C is on the minus strand). VCF-style: chr10-63214521-G-A. GRCh37 (hg19) VCF-style: chr10-64974281-G-A.
Other names: c.1100C>T, p.Ala367Val (NM_001282948.2, NM_001318154.2); c.782C>T, p.Ala261Val (NM_001318153.2); c.1532C>T, p.Ala511Val (NM_001322252.2); c.989C>T, p.Ala330Val (NM_001322254.2, NM_001322258.2); short protein forms A261V, A330V, A367V, A511V, A549V.
Identifiers: ClinVar variation 3653589 (VCV003653589.2).

ClinVar aggregate classification (germline): Uncertain significance (1 of 4 stars; one submission).

Conditions:
Early Myoclonic Encephalopathy. Identifiers: MedGen C0270855.

Submission:

Labcorp Genetics (formerly Invitae), Labcorp
Classification: Uncertain significance for Early Myoclonic Encephalopathy. Last evaluated: 2024-05-16. Review status: criteria provided, single submitter. Criteria: Invitae Variant Classification Sherloc (09022015). Collection method: clinical testing. Allele origin: germline.
Comment: This sequence change replaces alanine, which is neutral and non-polar, with valine, which is neutral and non-polar, at codon 549 of the JMJD1C protein (p.Ala549Val). This variant is not present in population databases (gnomAD no frequency). This variant has not been reported in the literature in individuals affected with JMJD1C-related conditions. Algorithms developed to predict the effect of missense changes on protein structure and function output the following: SIFT: "Not Available"; PolyPhen-2: "Benign"; Align-GVGD: "Not Available". The valine amino acid residue is found in multiple mammalian species, which suggests that this missense change does not adversely affect protein function. In summary, the available evidence is currently insufficient to determine the role of this variant in disease. Therefore, it has been classified as a Variant of Uncertain Significance.